The following is an entry in ClinVar:

NM_000044.6(AR):c.2384_2385del (p.Phe795fs)

Gene: AR (androgen receptor; plus strand). Cytogenetic location: Xq12.
Variant type: Deletion.
Coding change: c.2384_2385del on transcript NM_000044.6 (MANE Select); coding-DNA positions 2384 to 2385, 2 bases deleted (TT; older notation c.2384_2385delTT).
Protein change: p.Phe795fs; shifts the reading frame from phenylalanine 795.
Molecular consequence: frameshift variant.
Genome position (GRCh38, 1-based): chrX:67,721,898-67,721,899, TT deleted; deleting any 2 consecutive bases within chrX:67,721,897-67,721,899 gives the same sequence; the c. name uses the placement nearest the transcript's 3' end. VCF-style (leftmost placement, unchanged base first): chrX-67721896-GTT-G. GRCh37 (hg19) VCF-style: chrX-66941738-GTT-G.
Other names: c.788_789del, p.Phe263fs (NM_001011645.3); short protein forms F263fs, F795fs.
Identifiers: ClinVar variation 2430349 (VCV002430349.2), dbSNP rs2519840760, ClinGen allele CA2580101276.

ClinVar aggregate classification (germline): Pathogenic (1 of 4 stars; one submission).

Submission:

Centre of Medical Genetics, University Hospital Muenster
Classification: Pathogenic. Last evaluated: 2022-10-26. Review status: criteria provided, single submitter. Criteria: ACMG Guidelines, 2015. Collection method: clinical testing. Allele origin: unknown. Affected: yes. Observed: 1 variant allele.
Comment: ACMG categories: PVS1,PS4,PM2